The following is an entry in ClinVar:

ClinVar aggregate classification (germline): Likely benign (1 of 4 stars; one submission).

Allele frequency attached by ClinVar (database versions not stated): TOPMed 0.00001; gnomAD 0.00003.
gnomAD v4.1: 12 of 1,613,606 alleles (0.00074%); highest among the groups gnomAD compares: African/African-American, 0.004%; no homozygotes.

Submission:

CeGaT Center for Human Genetics Tuebingen
Classification: Likely benign. Last evaluated: 2024-08-01. Review status: criteria provided, single submitter. Criteria: CeGaT Center For Human Genetics Tuebingen Variant Classification Criteria Version 2. Collection method: clinical testing. Allele origin: germline. Affected: yes. Observed: 2 variant alleles.
Comment: ANKRD11: BP4, BP7

NM_013275.6(ANKRD11):c.4650C>T (p.Asn1550=)

Gene: ANKRD11 (ankyrin repeat domain 11; minus strand). Cytogenetic location: 16q24.3.
Variant type: single nucleotide variant.
Coding change: c.4650C>T on transcript NM_013275.6 (MANE Select); coding-DNA position 4650, C replaced by T.
Protein change: p.Asn1550=; no amino-acid change (asparagine 1550 retained).
Molecular consequence: synonymous variant.
Genome position (GRCh38, 1-based): chr16:89,281,892, G>A on the plus strand (C>T on the coding strand, the complement: ANKRD11 is on the minus strand). VCF-style: chr16-89281892-G-A. GRCh37 (hg19) VCF-style: chr16-89348300-G-A.
Other names: c.4650C>T, p.Asn1550= (NM_001256182.2, NM_001256183.2).
Identifiers: ClinVar variation 2647075 (VCV002647075.24), dbSNP rs771198140, ClinGen allele CA497373809.